The following is an entry in ClinVar:

ClinVar aggregate classification (germline): Uncertain significance (1 of 4 stars; one submission).

Submission:

Labcorp Genetics (formerly Invitae), Labcorp
Classification: Uncertain significance. Last evaluated: 2024-06-30. Review status: criteria provided, single submitter. Criteria: Invitae Variant Classification Sherloc (09022015). Collection method: clinical testing. Allele origin: germline.
Comment: This sequence change replaces leucine, which is neutral and non-polar, with proline, which is neutral and non-polar, at codon 1766 of the POLE protein (p.Leu1766Pro). This variant is not present in population databases (gnomAD no frequency). This variant has not been reported in the literature in individuals affected with POLE-related conditions. An algorithm developed to predict the effect of missense changes on protein structure and function (PolyPhen-2) suggests that this variant is likely to be disruptive. In summary, the available evidence is currently insufficient to determine the role of this variant in disease. Therefore, it has been classified as a Variant of Uncertain Significance.

NM_006231.4(POLE):c.5297T>C (p.Leu1766Pro)

Gene: POLE (DNA polymerase epsilon, catalytic subunit; minus strand). Cytogenetic location: 12q24.33.
Variant type: single nucleotide variant.
Coding change: c.5297T>C on transcript NM_006231.4 (MANE Select); coding-DNA position 5297, T replaced by C.
Protein change: p.Leu1766Pro; replaces leucine 1766 with proline.
Molecular consequence: missense variant.
Genome position (GRCh38, 1-based): chr12:132,641,728, A>G on the plus strand (T>C on the coding strand, the complement: POLE is on the minus strand). VCF-style: chr12-132641728-A-G. GRCh37 (hg19) VCF-style: chr12-133218314-A-G.
Other names: short protein forms L1766P.
Identifiers: ClinVar variation 3657688 (VCV003657688.2).